The following is an entry in ClinVar:

NM_007327.4(GRIN1):c.1452C>A (p.Phe484Leu)

Gene: GRIN1 (glutamate ionotropic receptor NMDA type subunit 1; plus strand). Cytogenetic location: 9q34.3.
Variant type: single nucleotide variant.
Coding change: c.1452C>A on transcript NM_007327.4 (MANE Select); coding-DNA position 1452, C replaced by A.
Protein change: p.Phe484Leu; replaces phenylalanine 484 with leucine.
Molecular consequence: missense variant.
Genome position (GRCh38, 1-based): chr9:137,161,401, C>A. VCF-style: chr9-137161401-C-A. GRCh37 (hg19) VCF-style: chr9-140055853-C-A.
Other names: c.1452C>A, p.Phe484Leu (NM_021569.4, NM_000832.7); c.1515C>A, p.Phe505Leu (NM_001185090.2, NM_001185091.2); c.1452C>A (NM_007327.3); short protein forms F484L, F505L.
Identifiers: ClinVar variation 1020777 (VCV001020777.10), dbSNP rs1833532800, ClinGen allele CA375716857.

ClinVar aggregate classification (germline): Uncertain significance. Review status: criteria provided, multiple submitters, no conflicts (2 of 4 stars). 2 submissions from 2 submitters: Uncertain significance (2). Last evaluated 2024-06-28.

Conditions:
Neurodevelopmental disorder with or without hyperkinetic movements and seizures, autosomal dominant. Also called: Intellectual disability, autosomal dominant 8. Identifiers: MedGen C3280282, MONDO:0013655, OMIM 614254.

Submissions (2):

GeneDx
Classification: Uncertain significance. Last evaluated: 2024-06-28. Review status: criteria provided, single submitter. Criteria: GeneDx Variant Classification Process June 2021. Collection method: clinical testing. Allele origin: germline. Affected: yes.
Comment: Not observed at significant frequency in large population cohorts (gnomAD); In silico analysis supports that this missense variant has a deleterious effect on protein structure/function; Has not been previously published as pathogenic or benign to our knowledge; In silico analysis suggests this variant may impact gene splicing. In the absence of RNA/functional studies, the actual effect of this sequence change is unknown.

Labcorp Genetics (formerly Invitae), Labcorp
Classification: Uncertain significance for Neurodevelopmental disorder with or without hyperkinetic movements and seizures, autosomal dominant. Last evaluated: 2020-06-13. Review status: criteria provided, single submitter. Criteria: Invitae Variant Classification Sherloc (09022015). Collection method: clinical testing. Allele origin: germline.
Comment: This sequence change replaces phenylalanine with leucine at codon 484 of the GRIN1 protein (p.Phe484Leu). The phenylalanine residue is highly conserved and there is a small physicochemical difference between phenylalanine and leucine. This variant is not present in population databases (ExAC no frequency). This variant has not been reported in the literature in individuals with GRIN1-related conditions. Algorithms developed to predict the effect of missense changes on protein structure and function are either unavailable or do not agree on the potential impact of this missense change (SIFT: "Deleterious"; PolyPhen-2: "Possibly Damaging"; Align-GVGD: "Class C0"). In summary, the available evidence is currently insufficient to determine the role of this variant in disease. Therefore, it has been classified as a Variant of Uncertain Significance.